The following is an entry in ClinVar:

ClinVar aggregate classification (germline): Uncertain significance (1 of 4 stars; one submission).

Conditions:
Hereditary spastic paraplegia 28. Also called: Spastic paraplegia 28, autosomal recessive. Identifiers: Orphanet 101008, MedGen C1836295, MONDO:0012256, OMIM 609340.

Submission:

Labcorp Genetics (formerly Invitae), Labcorp
Classification: Uncertain significance for Hereditary spastic paraplegia 28. Last evaluated: 2020-12-10. Review status: criteria provided, single submitter. Criteria: Invitae Variant Classification Sherloc (09022015). Collection method: clinical testing. Allele origin: germline.
Comment: In summary, the available evidence is currently insufficient to determine the role of this variant in disease. Therefore, it has been classified as a Variant of Uncertain Significance. This variant disrupts a region of the protein in which other variant(s) (p.Leu830Pro) have been observed in individuals with DDHD1-related conditions (Invitae). This suggests that this may be a clinically significant region of the DDHD1 protein. Experimental studies and prediction algorithms are not available or were not evaluated, and the functional significance of this variant is currently unknown. This variant has been observed in individual(s) with clinical features of hereditary spastic paraplegia (Invitae). This variant is not present in population databases (ExAC no frequency). This sequence change results in a premature translational stop signal in the DDHD1 gene (p.Ile826Metfs*35). While this is not anticipated to result in nonsense mediated decay, it is expected to disrupt the last 54 amino acids of the DDHD1 protein.

NM_001160148.2(DDHD1):c.2541del (p.Ile847fs)

Gene: DDHD1 (DDHD domain containing 1; minus strand). Cytogenetic location: 14q22.1.
Variant type: Deletion.
Coding change: c.2541del on transcript NM_001160148.2 (MANE Select); coding-DNA position 2541, one base deleted (T; older notation c.2541delT).
Protein change: p.Ile847fs; shifts the reading frame from isoleucine 847.
Molecular consequence: frameshift variant.
Genome position (GRCh38, 1-based): chr14:53,046,930, A deleted on the plus strand (T on the coding strand, the reverse complement: DDHD1 is on the minus strand); the first of 2 consecutive A bases (chr14:53,046,930-53,046,931); deleting either gives the same sequence. VCF-style (leftmost placement, unchanged base first): chr14-53046929-CA-C. GRCh37 (hg19) VCF-style: chr14-53513647-CA-C.
Other names: c.2478del, p.Ile826fs (NM_001160147.2); c.2457del, p.Ile819fs (NM_030637.3); short protein forms I819fs, I826fs, I847fs.
Identifiers: ClinVar variation 1007574 (VCV001007574.8), dbSNP rs1882057104, ClinGen allele CA2137408114.
Genomic context (GRCh38, chr14:53,046,929, plus strand): 5'-TATGCGACGTGACAGCTGACCAATAGCGGCTCTCCACAAGGCCTTCTCTGAGTTCAAAAT[CA>C]ATCCTGTGATCCAACTCCACTAAAAAGAAAAGAAGTTAAACAAATGAATACAGATTATAA-3'